The following is an entry in ClinVar:

ClinVar aggregate classification (germline): Uncertain significance (1 of 4 stars; one submission).

Submission:

Labcorp Genetics (formerly Invitae), Labcorp
Classification: Uncertain significance. Last evaluated: 2023-05-09. Review status: criteria provided, single submitter. Criteria: Invitae Variant Classification Sherloc (09022015). Collection method: clinical testing. Allele origin: germline.
Comment: In summary, the available evidence is currently insufficient to determine the role of this variant in disease. Therefore, it has been classified as a Variant of Uncertain Significance. This variant has not been reported in the literature in individuals affected with LRRC8A-related conditions. An algorithm developed to predict the effect of missense changes on protein structure and function (PolyPhen-2) suggests that this variant is likely to be disruptive. This variant is not present in population databases (gnomAD no frequency). This sequence change replaces histidine, which is basic and polar, with tyrosine, which is neutral and polar, at codon 119 of the LRRC8A protein (p.His119Tyr).

NM_019594.4(LRRC8A):c.355C>T (p.His119Tyr)

Gene: LRRC8A (leucine rich repeat containing 8 VRAC subunit A; plus strand). Cytogenetic location: 9q34.11.
Variant type: single nucleotide variant.
Coding change: c.355C>T on transcript NM_019594.4 (MANE Select); coding-DNA position 355, C replaced by T.
Protein change: p.His119Tyr; replaces histidine 119 with tyrosine.
Molecular consequence: missense variant.
Genome position (GRCh38, 1-based): chr9:128,907,519, C>T. VCF-style: chr9-128907519-C-T. GRCh37 (hg19) VCF-style: chr9-131669798-C-T.
Other names: c.355C>T, p.His119Tyr (NM_001127244.2, NM_001127245.2); short protein forms H119Y.
Identifiers: ClinVar variation 2847967 (VCV002847967.3), dbSNP rs2491863832, ClinGen allele CA375073648.